The following is an entry in ClinVar:

ClinVar aggregate classification (germline): Pathogenic (1 of 4 stars; one submission).

Conditions:
Glycogen storage disease, type V (GSD5). Also called: MCARDLE DISEASE; MUSCLE GLYCOGEN PHOSPHORYLASE DEFICIENCY; MYOPHOSPHORYLASE DEFICIENCY; PYGM DEFICIENCY; McArdle type glycogen storage disease. Identifiers: Orphanet 368, MedGen C0017924, MONDO:0009293, OMIM 232600.

Submission:

Myriad Genetics, Inc.
Classification: Pathogenic for Glycogen storage disease, type V. Last evaluated: 2023-09-27. Review status: criteria provided, single submitter. Criteria: Myriad Autosomal Dominant, Autosomal Recessive and X-Linked Classification Criteria (2023). Collection method: clinical testing. Allele origin: unknown.
Comment: NM_005609.2(PYGM):c.782dupG(G262Wfs*23) is expected to be pathogenic in the context of glycogen storage disease, PYGM-related. This variant is predicted to lead to an abnormal or absent protein product due to the creation of a premature termination codon in PYGM, a gene where loss-of-function variants are known to be pathogenic. Please note: this variant was assessed in the context of healthy population screening.

NM_005609.4(PYGM):c.782dup (p.Gly262fs)

Gene: PYGM (glycogen phosphorylase, muscle associated; minus strand). Cytogenetic location: 11q13.1.
Variant type: Duplication.
Coding change: c.782dup on transcript NM_005609.4 (MANE Select); coding-DNA position 782, one base duplicated (G; older notation c.782dupG).
Protein change: p.Gly262fs; shifts the reading frame from glycine 262.
Molecular consequence: frameshift variant.
Genome position (GRCh38, 1-based): chr11:64,755,346, C duplicated on the plus strand (G on the coding strand, the reverse complement: PYGM is on the minus strand); the first of 2 consecutive C bases (chr11:64,755,346-64,755,347); duplicating either gives the same sequence. VCF-style (leftmost placement, unchanged base first): chr11-64755345-A-AC. GRCh37 (hg19) VCF-style: chr11-64522817-A-AC.
Other names: c.518dup, p.Gly174fs (NM_001164716.1); short protein forms G174fs, G262fs.
Identifiers: ClinVar variation 5011880 (VCV005011880.1).